The following is an entry in ClinVar:

NM_022041.4(GAN):c.167G>A (p.Arg56Lys)

Genes: GAN (gigaxonin; plus strand), LOC130059498 (ATAC-STARR-seq lymphoblastoid silent region 7753; plus strand). Cytogenetic location: 16q23.2.
Variant type: single nucleotide variant.
Coding change: c.167G>A on transcript NM_022041.4 (MANE Select); coding-DNA position 167, G replaced by A.
Protein change: p.Arg56Lys; replaces arginine 56 with lysine.
Molecular consequence: missense variant. On other transcripts: 5 prime UTR variant (1).
Genome position (GRCh38, 1-based): chr16:81,315,280, G>A. VCF-style: chr16-81315280-G-A. GRCh37 (hg19) VCF-style: chr16-81348885-G-A.
Other names: c.-358G>A (NM_001377486.1); short protein forms R56K.
Identifiers: ClinVar variation 1998044 (VCV001998044.4), dbSNP rs1908992305, ClinGen allele CA396855084.

ClinVar aggregate classification (germline): Uncertain significance (1 of 4 stars; one submission).

Conditions:
Giant axonal neuropathy 1 (GAN1). Also called: GAN-Related Neurodegeneration; GIANT AXONAL NEUROPATHY 1, AUTOSOMAL RECESSIVE. Identifiers: Orphanet 643, MedGen C1850386, MONDO:0009749, OMIM 256850.

Allele frequency attached by ClinVar (database versions not stated): TOPMed below 0.00001.

Submission:

Labcorp Genetics (formerly Invitae), Labcorp
Classification: Uncertain significance for Giant axonal neuropathy 1. Last evaluated: 2022-05-22. Review status: criteria provided, single submitter. Criteria: Invitae Variant Classification Sherloc (09022015). Collection method: clinical testing. Allele origin: germline.
Comment: In summary, the available evidence is currently insufficient to determine the role of this variant in disease. Therefore, it has been classified as a Variant of Uncertain Significance. Variants that disrupt the consensus splice site are a relatively common cause of aberrant splicing (PMID: 17576681, 9536098). Algorithms developed to predict the effect of sequence changes on RNA splicing suggest that this variant may disrupt the consensus splice site. Algorithms developed to predict the effect of missense changes on protein structure and function (SIFT, PolyPhen-2, Align-GVGD) all suggest that this variant is likely to be tolerated. This variant has not been reported in the literature in individuals affected with GAN-related conditions. This variant is not present in population databases (gnomAD no frequency). This sequence change replaces arginine, which is basic and polar, with lysine, which is basic and polar, at codon 56 of the GAN protein (p.Arg56Lys). This variant also falls at the last nucleotide of exon 1, which is part of the consensus splice site for this exon.

Literature cited by the submitters: PubMed 17576681; PubMed 9536098.